The following is an entry in ClinVar:

NM_006231.4(POLE):c.4028G>A (p.Gly1343Asp)

Gene: POLE (DNA polymerase epsilon, catalytic subunit; minus strand). Cytogenetic location: 12q24.33.
Variant type: single nucleotide variant.
Coding change: c.4028G>A on transcript NM_006231.4 (MANE Select); coding-DNA position 4028, G replaced by A.
Protein change: p.Gly1343Asp; replaces glycine 1343 with aspartic acid.
Molecular consequence: missense variant.
Genome position (GRCh38, 1-based): chr12:132,649,050, C>T on the plus strand (G>A on the coding strand, the complement: POLE is on the minus strand). VCF-style: chr12-132649050-C-T. GRCh37 (hg19) VCF-style: chr12-133225636-C-T.
Other names: c.4028G>A (NM_006231.2); short protein forms G1343D.
Identifiers: ClinVar variation 1057012 (VCV001057012.10), dbSNP rs2138599784, ClinGen allele CA387383967.

ClinVar aggregate classification (germline): Uncertain significance. Review status: criteria provided, multiple submitters, no conflicts (2 of 4 stars). 2 submissions from 2 submitters: Uncertain significance (2). Last evaluated 2024-01-28.

Conditions:
Hereditary cancer-predisposing syndrome. Also called: Hereditary Cancer Syndrome; Tumor predisposition; Hereditary neoplastic syndrome; Neoplastic Syndromes, Hereditary. Identifiers: Orphanet 140162, MedGen C0027672, MeSH D009386, MONDO:0015356.

gnomAD v4.1: 3 of 1,612,858 alleles (0.00019%); highest among the groups gnomAD compares: Non-Finnish European, 0.00025%; no homozygotes.

Submissions (2):

Ambry Genetics
Classification: Uncertain significance for Hereditary cancer-predisposing syndrome. Last evaluated: 2024-01-28. Review status: criteria provided, single submitter. Criteria: Ambry Variant Classification Scheme 2023. Collection method: clinical testing. Allele origin: germline.
Comment: The p.G1343D variant (also known as c.4028G>A), located in coding exon 32 of the POLE gene, results from a G to A substitution at nucleotide position 4028. The glycine at codon 1343 is replaced by aspartic acid, an amino acid with similar properties. This amino acid position is conserved. In addition, this alteration is predicted to be deleterious by in silico analysis. Based on the available evidence, the clinical significance of this alteration remains unclear.

Labcorp Genetics (formerly Invitae), Labcorp
Classification: Uncertain significance. Last evaluated: 2023-07-10. Review status: criteria provided, single submitter. Criteria: Invitae Variant Classification Sherloc (09022015). Collection method: clinical testing. Allele origin: germline.
Comment: This sequence change replaces glycine, which is neutral and non-polar, with aspartic acid, which is acidic and polar, at codon 1343 of the POLE protein (p.Gly1343Asp). In summary, the available evidence is currently insufficient to determine the role of this variant in disease. Therefore, it has been classified as a Variant of Uncertain Significance. Advanced modeling of protein sequence and biophysical properties (such as structural, functional, and spatial information, amino acid conservation, physicochemical variation, residue mobility, and thermodynamic stability) performed at Invitae indicates that this missense variant is not expected to disrupt POLE protein function. ClinVar contains an entry for this variant (Variation ID: 1057012). This variant has not been reported in the literature in individuals affected with POLE-related conditions. This variant is not present in population databases (gnomAD no frequency).